The following is an entry in ClinVar:

ClinVar aggregate classification (germline): Uncertain significance (1 of 4 stars; one submission).

Conditions:
Inborn genetic diseases. Identifiers: MedGen C0950123, MeSH D030342.

Allele frequency attached by ClinVar (database versions not stated): gnomAD exomes below 0.00001; TOPMed below 0.00001; gnomAD 0.00001.
gnomAD v4.1: 7 of 1,612,222 alleles (0.00043%); highest among the groups gnomAD compares: East Asian, 0.0022%; no homozygotes.

Submission:

Ambry Genetics
Classification: Uncertain significance for Inborn genetic diseases. Last evaluated: 2023-04-23. Review status: criteria provided, single submitter. Criteria: Ambry Variant Classification Scheme 2023. Collection method: clinical testing. Allele origin: germline.
Comment: The p.V254M variant (also known as c.760G>A), located in coding exon 7 of the LRRK2 gene, results from a G to A substitution at nucleotide position 760. The valine at codon 254 is replaced by methionine, an amino acid with highly similar properties. This amino acid position is conserved. In addition, this alteration is predicted to be tolerated by in silico analysis. Since supporting evidence is limited at this time, the clinical significance of this alteration remains unclear.

NM_198578.4(LRRK2):c.760G>A (p.Val254Met)

Gene: LRRK2 (leucine rich repeat kinase 2; plus strand). Cytogenetic location: 12q12.
Variant type: single nucleotide variant.
Coding change: c.760G>A on transcript NM_198578.4 (MANE Select); coding-DNA position 760, G replaced by A.
Protein change: p.Val254Met; replaces valine 254 with methionine.
Molecular consequence: missense variant.
Genome position (GRCh38, 1-based): chr12:40,243,603, G>A. VCF-style: chr12-40243603-G-A. GRCh37 (hg19) VCF-style: chr12-40637405-G-A.
Other names: short protein forms V254M.
Identifiers: ClinVar variation 2562445 (VCV002562445.2), dbSNP rs1291674294, ClinGen allele CA384405861.